The following is an entry in ClinVar:

NM_138395.4(MARS2):c.19C>T (p.Leu7Phe)

Gene: MARS2 (methionyl-tRNA synthetase 2, mitochondrial; plus strand). Cytogenetic location: 2q33.1.
Variant type: single nucleotide variant.
Coding change: c.19C>T on transcript NM_138395.4 (MANE Select); coding-DNA position 19, C replaced by T.
Protein change: p.Leu7Phe; replaces leucine 7 with phenylalanine.
Molecular consequence: missense variant.
Genome position (GRCh38, 1-based): chr2:197,705,424, C>T. VCF-style: chr2-197705424-C-T. GRCh37 (hg19) VCF-style: chr2-198570148-C-T.
Other names: short protein forms L7F.
Identifiers: ClinVar variation 4694286 (VCV004694286.1).

ClinVar aggregate classification (germline): Uncertain significance (1 of 4 stars; one submission).

Submission:

Labcorp Genetics (formerly Invitae), Labcorp
Classification: Uncertain significance. Last evaluated: 2025-05-07. Review status: criteria provided, single submitter. Criteria: Invitae Variant Classification Sherloc (09022015). Collection method: clinical testing. Allele origin: germline.
Comment: This sequence change replaces leucine, which is neutral and non-polar, with phenylalanine, which is neutral and non-polar, at codon 7 of the MARS2 protein (p.Leu7Phe). This variant is present in population databases (rs777749411, gnomAD 0.009%). This variant has not been reported in the literature in individuals affected with MARS2-related conditions. An algorithm developed to predict the effect of missense changes on protein structure and function outputs the following: PolyPhen-2: "Benign". The phenylalanine amino acid residue is found in multiple mammalian species, which suggests that this missense change does not adversely affect protein function. In summary, the available evidence is currently insufficient to determine the role of this variant in disease. Therefore, it has been classified as a Variant of Uncertain Significance.